The following is an entry in ClinVar:

NM_020975.6(RET):c.1488C>T (p.Ala496=)

Gene: RET (ret proto-oncogene; plus strand). Cytogenetic location: 10q11.21.
Variant type: single nucleotide variant.
Coding change: c.1488C>T on transcript NM_020975.6 (MANE Select); coding-DNA position 1488, C replaced by T.
Protein change: p.Ala496=; no amino-acid change (alanine 496 retained).
Molecular consequence: synonymous variant. On other transcripts: intron variant (15).
Genome position (GRCh38, 1-based): chr10:43,111,431, C>T. VCF-style: chr10-43111431-C-T. GRCh37 (hg19) VCF-style: chr10-43606879-C-T.
Other names: c.1488C>T, p.Ala496= (NM_000323.2, NM_001406743.1, NM_001406744.1 and 6 more transcripts); c.726C>T, p.Ala242= (NM_001355216.2); c.1359C>T, p.Ala453= (NM_001406761.1, NM_001406762.1, NM_001406764.1 and 1 more transcripts); c.1200C>T, p.Ala400= (NM_001406766.1, NM_001406767.1, NM_001406770.1); c.1092C>T, p.Ala364= (NM_001406769.1, NM_001406772.1); c.1050C>T, p.Ala350= (NM_001406771.1, NM_001406773.1); c.963C>T, p.Ala321= (NM_001406774.1); c.762C>T, p.Ala254= (NM_001406775.1, NM_001406776.1, NM_001406777.1 and 1 more transcripts); and 5 more.
Identifiers: ClinVar variation 1628282 (VCV001628282.11), dbSNP rs747196645, ClinGen allele CA033842.

ClinVar aggregate classification (germline): Likely benign. Review status: criteria provided, multiple submitters, no conflicts (2 of 4 stars). 3 submissions from 3 submitters: Likely benign (3). Last evaluated 2024-08-14.

Conditions:
Hereditary cancer-predisposing syndrome. Also called: Neoplastic Syndromes, Hereditary; Hereditary neoplastic syndrome; Hereditary Cancer Syndrome; Tumor predisposition. Identifiers: Orphanet 140162, MedGen C0027672, MeSH D009386, MONDO:0015356.
Multiple endocrine neoplasia, type 2 (MEN2). Identifiers: Orphanet 653, MedGen C4048306, MONDO:0019003. Disease mechanism: gain of function.

Allele frequency attached by ClinVar (database versions not stated): gnomAD exomes below 0.00001; ExAC 0.00001.

Submissions (3):

Ambry Genetics
Classification: Likely benign for Hereditary cancer-predisposing syndrome. Last evaluated: 2024-08-14. Review status: criteria provided, single submitter. Criteria: Ambry Variant Classification Scheme 2023. Collection method: clinical testing. Allele origin: germline.

Labcorp Genetics (formerly Invitae), Labcorp
Classification: Likely benign for Multiple endocrine neoplasia, type 2. Last evaluated: 2024-03-27. Review status: criteria provided, single submitter. Criteria: Invitae Variant Classification Sherloc (09022015). Collection method: clinical testing. Allele origin: germline.

All of Us Research Program, National Institutes of Health
Classification: Likely benign for Multiple endocrine neoplasia, type 2. Last evaluated: 2023-12-01. Review status: criteria provided, single submitter. Criteria: ACMG Guidelines, 2015. Collection method: clinical testing. Allele origin: germline. Inheritance: Autosomal dominant inheritance. Observed: 2 variant alleles, 2 heterozygotes.
Comment: This study involves interpretation of variants in research participants for the purpose of population health screening. Participant phenotype was not available at the time of variant classification. Additional details can be found in publication PMID: 35346344, PMCID: PMC8962531